The following is an entry in ClinVar:

NM_025137.4(SPG11):c.5136G>A (p.Met1712Ile)

Gene: SPG11 (SPG11 vesicle trafficking associated, spatacsin; minus strand). Cytogenetic location: 15q21.1.
Variant type: single nucleotide variant.
Coding change: c.5136G>A on transcript NM_025137.4 (MANE Select); coding-DNA position 5136, G replaced by A.
Protein change: p.Met1712Ile; replaces methionine 1712 with isoleucine.
Molecular consequence: missense variant.
Genome position (GRCh38, 1-based): chr15:44,584,544, C>T on the plus strand (G>A on the coding strand, the complement: SPG11 is on the minus strand). VCF-style: chr15-44584544-C-T. GRCh37 (hg19) VCF-style: chr15-44876742-C-T.
Other names: c.5136G>A, p.Met1712Ile (NM_001160227.2); c.5136G>A (NM_025137.3); short protein forms M1712I.
Identifiers: ClinVar variation 1956042 (VCV001956042.6), dbSNP rs1294100489, ClinGen allele CA392223220.

ClinVar aggregate classification (germline): Uncertain significance. Review status: criteria provided, multiple submitters, no conflicts (2 of 4 stars). 2 submissions from 2 submitters: Uncertain significance (2). Last evaluated 2025-08-23.

Conditions:
Inborn genetic diseases. Identifiers: MedGen C0950123, MeSH D030342.
Hereditary spastic paraplegia 11. Also called: Spastic paraplegia, mental retardation and thin corpus callosum; Spastic Paraplegia 11; Nakamura Osame syndrome; Autosomal recessive hereditary spastic paraplegia, mental impairment, and thin corpus callosum; SPASTIC PARAPLEGIA, AUTOSOMAL RECESSIVE, COMPLICATED, WITH THIN CORPUS CALLOSUM; SPASTIC PARAPLEGIA, AUTOSOMAL RECESSIVE, WITH MENTAL IMPAIRMENT AND THIN CORPUS CALLOSUM. Identifiers: Orphanet 2822, MedGen C1858479, MONDO:0011445, OMIM 604360.

Submissions (2):

Ambry Genetics
Classification: Uncertain significance for Inborn genetic diseases. Last evaluated: 2025-08-23. Review status: criteria provided, single submitter. Criteria: Ambry Variant Classification Scheme 2023. Collection method: clinical testing. Allele origin: germline.

Labcorp Genetics (formerly Invitae), Labcorp
Classification: Uncertain significance for Hereditary spastic paraplegia 11. Last evaluated: 2024-02-24. Review status: criteria provided, single submitter. Criteria: Invitae Variant Classification Sherloc (09022015). Collection method: clinical testing. Allele origin: germline.
Comment: This sequence change replaces methionine, which is neutral and non-polar, with isoleucine, which is neutral and non-polar, at codon 1712 of the SPG11 protein (p.Met1712Ile). This variant is not present in population databases (gnomAD no frequency). This variant has not been reported in the literature in individuals affected with SPG11-related conditions. ClinVar contains an entry for this variant (Variation ID: 1956042). Advanced modeling of protein sequence and biophysical properties (such as structural, functional, and spatial information, amino acid conservation, physicochemical variation, residue mobility, and thermodynamic stability) performed at Invitae indicates that this missense variant is not expected to disrupt SPG11 protein function with a negative predictive value of 80%. In summary, the available evidence is currently insufficient to determine the role of this variant in disease. Therefore, it has been classified as a Variant of Uncertain Significance.